The following is an entry in ClinVar:

ClinVar aggregate classification (germline): Uncertain significance. Review status: criteria provided, multiple submitters, no conflicts (2 of 4 stars). 2 submissions from 2 submitters: Uncertain significance (2). Last evaluated 2023-11-04.

Conditions:
Hereditary cancer-predisposing syndrome. Also called: Hereditary neoplastic syndrome; Neoplastic Syndromes, Hereditary; Hereditary Cancer Syndrome; Tumor predisposition. Identifiers: Orphanet 140162, MedGen C0027672, MeSH D009386, MONDO:0015356.

Allele frequency attached by ClinVar (database versions not stated): gnomAD exomes below 0.00001.
gnomAD v4.1: 1 of 1,599,632 alleles (0.000063%); highest among the groups gnomAD compares: Non-Finnish European, 0.000086%; no homozygotes.

Submissions (2):

Ambry Genetics
Classification: Uncertain significance for Hereditary cancer-predisposing syndrome. Last evaluated: 2023-11-04. Review status: criteria provided, single submitter. Criteria: Ambry Variant Classification Scheme 2023. Collection method: clinical testing. Allele origin: germline.
Comment: The p.K775R variant (also known as c.2324A>G), located in coding exon 17 of the MSH3 gene, results from an A to G substitution at nucleotide position 2324. The lysine at codon 775 is replaced by arginine, an amino acid with highly similar properties. This amino acid position is highly conserved in available vertebrate species. In addition, the in silico prediction for this alteration is inconclusive. Since supporting evidence is limited at this time, the clinical significance of this alteration remains unclear.

Labcorp Genetics (formerly Invitae), Labcorp
Classification: Uncertain significance. Last evaluated: 2022-10-07. Review status: criteria provided, single submitter. Criteria: Invitae Variant Classification Sherloc (09022015). Collection method: clinical testing. Allele origin: germline.
Comment: This sequence change replaces lysine, which is basic and polar, with arginine, which is basic and polar, at codon 775 of the MSH3 protein (p.Lys775Arg). This variant is not present in population databases (gnomAD no frequency). This variant has not been reported in the literature in individuals affected with MSH3-related conditions. Algorithms developed to predict the effect of missense changes on protein structure and function are either unavailable or do not agree on the potential impact of this missense change (SIFT: "Deleterious"; PolyPhen-2: "Possibly Damaging"; Align-GVGD: "Class C0"). In summary, the available evidence is currently insufficient to determine the role of this variant in disease. Therefore, it has been classified as a Variant of Uncertain Significance.

NM_002439.5(MSH3):c.2324A>G (p.Lys775Arg)

Gene: MSH3 (mutS homolog 3; plus strand). Cytogenetic location: 5q14.1.
Variant type: single nucleotide variant.
Coding change: c.2324A>G on transcript NM_002439.5 (MANE Select); coding-DNA position 2324, A replaced by G.
Protein change: p.Lys775Arg; replaces lysine 775 with arginine.
Molecular consequence: missense variant.
Genome position (GRCh38, 1-based): chr5:80,778,725, A>G. VCF-style: chr5-80778725-A-G. GRCh37 (hg19) VCF-style: chr5-80074544-A-G.
Other names: short protein forms K775R.
Identifiers: ClinVar variation 1721192 (VCV001721192.5), dbSNP rs2546779498, ClinGen allele CA360281710.